The following is an entry in ClinVar:

NM_001042492.3(NF1):c.7594del (p.Ala2532fs)

Gene: NF1 (neurofibromin 1; plus strand). Cytogenetic location: 17q11.2.
Variant type: Deletion.
Coding change: c.7594del on transcript NM_001042492.3 (MANE Select); coding-DNA position 7594, one base deleted (G; older notation c.7594delG).
Protein change: p.Ala2532fs; shifts the reading frame from alanine 2532.
Molecular consequence: frameshift variant.
Genome position (GRCh38, 1-based): chr17:31,352,393, G deleted; the last of 2 consecutive G bases (chr17:31,352,392-31,352,393); deleting either gives the same sequence. VCF-style (leftmost placement, unchanged base first): chr17-31352391-AG-A. GRCh37 (hg19) VCF-style: chr17-29679409-AG-A.
Other names: c.7531delG, p.Ala2511Profs (NM_000267.4); c.7531delG (NM_000267.3); short protein forms A2511fs, A2532fs.
Identifiers: ClinVar variation 1359055 (VCV001359055.7), dbSNP rs2151577375, ClinGen allele CA2573153852.

ClinVar aggregate classification (germline): Pathogenic. Review status: criteria provided, multiple submitters, no conflicts (2 of 4 stars). 2 submissions from 2 submitters: Pathogenic (2). Last evaluated 2025-06-26.

Conditions:
Hereditary cancer-predisposing syndrome. Also called: Hereditary Cancer Syndrome; Hereditary neoplastic syndrome; Tumor predisposition; Neoplastic Syndromes, Hereditary. Identifiers: Orphanet 140162, MedGen C0027672, MeSH D009386, MONDO:0015356.
Cardiovascular phenotype. Identifiers: MedGen CN230736.
Neurofibromatosis, type 1 (NF1). Also called: NEUROFIBROMATOSIS, TYPE I, SOMATIC; VON RECKLINGHAUSEN DISEASE; Neurofibromatosis, type I; Peripheral type neurofibromatosis. Identifiers: Orphanet 636, MedGen C0027831, MONDO:0018975, OMIM 162200. Disease mechanism: loss of function.

Submissions (2):

Ambry Genetics
Classification: Pathogenic for Cardiovascular phenotype; Hereditary cancer-predisposing syndrome. Last evaluated: 2025-06-26. Review status: criteria provided, single submitter. Criteria: Ambry Variant Classification Scheme 2023. Collection method: clinical testing. Allele origin: germline.
Comment: The c.7531delG pathogenic mutation, located in coding exon 50 of the NF1 gene, results from a deletion of one nucleotide at nucleotide position 7531, causing a translational frameshift with a predicted alternate stop codon (p.A2511Pfs*16). This variant is considered to be rare based on population cohorts in the Genome Aggregation Database (gnomAD). This alteration is expected to result in loss of function by premature protein truncation or nonsense-mediated mRNA decay. As such, this alteration is interpreted as a disease-causing mutation.

Labcorp Genetics (formerly Invitae), Labcorp
Classification: Pathogenic for Neurofibromatosis, type 1. Last evaluated: 2021-07-09. Review status: criteria provided, single submitter. Criteria: Invitae Variant Classification Sherloc (09022015). Collection method: clinical testing. Allele origin: germline.
Comment: This sequence change creates a premature translational stop signal (p.Ala2511Profs*16) in the NF1 gene. It is expected to result in an absent or disrupted protein product. Loss-of-function variants in NF1 are known to be pathogenic (PMID: 10712197, 23913538). This variant is not present in population databases (ExAC no frequency). This variant has not been reported in the literature in individuals affected with NF1-related conditions. Algorithms developed to predict the effect of sequence changes on RNA splicing suggest that this variant may create or strengthen a splice site. For these reasons, this variant has been classified as Pathogenic.

Literature cited by the submitters: PubMed 10712197 (cited by Labcorp Genetics (formerly Invitae), Labcorp); PubMed 23913538 (cited by Labcorp Genetics (formerly Invitae), Labcorp).